The following is an entry in ClinVar:

ClinVar aggregate classification (germline): Conflicting classifications of pathogenicity. Review status: criteria provided, conflicting classifications (1 of 4 stars). 3 submissions from 3 submitters: Uncertain significance (1); Benign (1); Likely benign (1). Last evaluated 2025-05-10.

Conditions:
Primary ciliary dyskinesia. Also called: Ciliary dyskinesia. Identifiers: Orphanet 244, MedGen C0008780, MONDO:0016575, HP:0012265.

Allele frequency attached by ClinVar (database versions not stated): ExAC 0.00001; gnomAD exomes 0.00001; TOPMed 0.00001; gnomAD 0.00003.
gnomAD v4.1: 14 of 1,613,146 alleles (0.00087%); highest among the groups gnomAD compares: South Asian, 0.0022%; no homozygotes.

Submissions (3):

Ambry Genetics
Classification: Uncertain significance for Primary ciliary dyskinesia. Last evaluated: 2025-05-10. Review status: criteria provided, single submitter. Criteria: Ambry Variant Classification Scheme 2023. Collection method: clinical testing. Allele origin: germline.
Comment: The p.E2883K variant (also known as c.8647G>A), located in coding exon 52 of the DNAH11 gene, results from a G to A substitution at nucleotide position 8647. The glutamic acid at codon 2883 is replaced by lysine, an amino acid with similar properties. This amino acid position is conserved. In addition, this alteration is predicted to be tolerated by in silico analysis. Based on the available evidence, the clinical significance of this variant remains unclear.

Labcorp Genetics (formerly Invitae), Labcorp
Classification: Benign for Primary ciliary dyskinesia. Last evaluated: 2024-08-12. Review status: criteria provided, single submitter. Criteria: Invitae Variant Classification Sherloc (09022015). Collection method: clinical testing. Allele origin: germline.

Laboratory for Molecular Medicine, Mass General Brigham Personalized Medicine
Classification: Likely benign. Last evaluated: 2016-03-16. Review status: criteria provided, single submitter. Criteria: LMM Criteria. Collection method: clinical testing. Allele origin: germline. Observed: 1 variant allele.
Comment: p.Glu2883Lys in exon 52 of DNAH11: This variant is not expected to have clinical significance due to a lack of conservation across species, including mammals. O f note, >20 species, including the opposum, tasmanian devil, wallaby and platypu s have a lysine (Lys) at this position. In addition, computational prediction to ols do not suggest a high likelihood of impact to the protein. It has been ident ified in 1/66670 European chromosomes by the Exome Aggregation Consortium (ExAC; dbSNP rs752605468).

NM_001277115.2(DNAH11):c.8647G>A (p.Glu2883Lys)

Gene: DNAH11 (dynein axonemal heavy chain 11; plus strand). Cytogenetic location: 7p15.3.
Variant type: single nucleotide variant.
Coding change: c.8647G>A on transcript NM_001277115.2 (MANE Select); coding-DNA position 8647, G replaced by A.
Protein change: p.Glu2883Lys; replaces glutamic acid 2883 with lysine.
Molecular consequence: missense variant.
Genome position (GRCh38, 1-based): chr7:21,748,716, G>A. VCF-style: chr7-21748716-G-A. GRCh37 (hg19) VCF-style: chr7-21788334-G-A.
Other names: short protein forms E2883K.
Identifiers: ClinVar variation 227315 (VCV000227315.8), dbSNP rs752605468, ClinGen allele CA4181664.